The following is an entry in ClinVar:

NM_002601.4(PDE6D):c.390A>T (p.Glu130Asp)

Gene: PDE6D (phosphodiesterase 6D; minus strand). Cytogenetic location: 2q37.1.
Variant type: single nucleotide variant.
Coding change: c.390A>T on transcript NM_002601.4 (MANE Select); coding-DNA position 390, A replaced by T.
Protein change: p.Glu130Asp; replaces glutamic acid 130 with aspartic acid.
Molecular consequence: missense variant. On other transcripts: 3 prime UTR variant (1).
Genome position (GRCh38, 1-based): chr2:231,733,015, T>A on the plus strand (A>T on the coding strand, the complement: PDE6D is on the minus strand). VCF-style: chr2-231733015-T-A. GRCh37 (hg19) VCF-style: chr2-232597725-T-A.
Other names: c.*2A>T (NM_001291018.2); short protein forms E130D.
Identifiers: ClinVar variation 1525951 (VCV001525951.8), dbSNP rs2106256926, ClinGen allele CA350973479.

ClinVar aggregate classification (germline): Uncertain significance (1 of 4 stars; one submission).

Conditions:
Joubert syndrome 22 (JBTS22). Identifiers: Orphanet 2754, MedGen C3810278, MONDO:0014297, OMIM 615665.

Submission:

Labcorp Genetics (formerly Invitae), Labcorp
Classification: Uncertain significance for Joubert syndrome 22. Last evaluated: 2021-04-13. Review status: criteria provided, single submitter. Criteria: Invitae Variant Classification Sherloc (09022015). Collection method: clinical testing. Allele origin: germline.
Comment: This sequence change replaces glutamic acid with aspartic acid at codon 130 of the PDE6D protein (p.Glu130Asp). The glutamic acid residue is highly conserved and there is a small physicochemical difference between glutamic acid and aspartic acid. This variant is not present in population databases (ExAC no frequency). In summary, the available evidence is currently insufficient to determine the role of this variant in disease. Therefore, it has been classified as a Variant of Uncertain Significance. Algorithms developed to predict the effect of missense changes on protein structure and function are either unavailable or do not agree on the potential impact of this missense change (SIFT: "Deleterious"; PolyPhen-2: "Benign"; Align-GVGD: "Class C15"). This variant has not been reported in the literature in individuals with PDE6D-related conditions.